The following is an entry in ClinVar:

ClinVar aggregate classification (germline): Likely benign. Review status: criteria provided, multiple submitters, no conflicts (2 of 4 stars). 3 submissions from 3 submitters: Likely benign (3). Last evaluated 2025-06-12.

Allele frequency attached by ClinVar (database versions not stated): gnomAD 0.00001; gnomAD exomes 0.00003 and 0.00009; TOPMed 0.00003; ExAC 0.00010.
gnomAD v4.1: 40 of 1,605,132 alleles (0.0025%); highest among the groups gnomAD compares: Admixed American, 0.035%; no homozygotes.

Submissions (3):

Labcorp Genetics (formerly Invitae), Labcorp
Classification: Likely benign. Last evaluated: 2025-06-12. Review status: criteria provided, single submitter. Criteria: Invitae Variant Classification Sherloc (09022015). Collection method: clinical testing. Allele origin: germline.

Blueprint Genetics
Classification: Likely benign. Last evaluated: 2024-06-25. Review status: criteria provided, single submitter. Criteria: ACMG Guidelines, 2015. Collection method: clinical testing. Allele origin: germline.

Laboratory for Molecular Medicine, Mass General Brigham Personalized Medicine
Classification: Likely benign. Last evaluated: 2017-09-04. Review status: criteria provided, single submitter. Criteria: LMM Criteria. Collection method: clinical testing. Allele origin: germline. Observed: 1 variant allele.
Comment: p.Ser2158Ser in exon 49 of CACNA1D: This variant is not expected to have clinica l significance because it does not alter an amino acid residue and is not locate d within the splice consensus sequence. It has been identified in 19/33166 of La tino chromosomes by the Genome Aggregation Database (gnomAD; dbSNP rs748761511).

NM_001128840.3(CACNA1D):c.6414C>T (p.Ser2138=)

Gene: CACNA1D (calcium voltage-gated channel subunit alpha1 D; plus strand). Cytogenetic location: 3p21.1.
Variant type: single nucleotide variant.
Coding change: c.6414C>T on transcript NM_001128840.3 (MANE Select); coding-DNA position 6414, C replaced by T.
Protein change: p.Ser2138=; no amino-acid change (serine 2138 retained).
Molecular consequence: synonymous variant.
Genome position (GRCh38, 1-based): chr3:53,811,334, C>T. VCF-style: chr3-53811334-C-T. GRCh37 (hg19) VCF-style: chr3-53845361-C-T.
Other names: c.6474C>T, p.Ser2158= (NM_000720.4); c.6342C>T, p.Ser2114= (NM_001128839.3).
Identifiers: ClinVar variation 517570 (VCV000517570.13), dbSNP rs748761511, ClinGen allele CA2455444.